The following is an entry in ClinVar:

NM_000136.3(FANCC):c.523A>G (p.Met175Val)

Genes: AOPEP (aminopeptidase O (putative); plus strand), FANCC (FA complementation group C; minus strand). Cytogenetic location: 9q22.32.
Variant type: single nucleotide variant.
Coding change: c.523A>G on transcript NM_000136.3 (MANE Select); coding-DNA position 523, A replaced by G.
Protein change: p.Met175Val; replaces methionine 175 with valine.
Molecular consequence: missense variant.
Genome position (GRCh38, 1-based): chr9:95,150,086, T>C on the plus strand (A>G on the coding strand, the complement: FANCC is on the minus strand). VCF-style: chr9-95150086-T-C. GRCh37 (hg19) VCF-style: chr9-97912368-T-C.
Other names: c.523A>G, p.Met175Val (NM_001243743.2, NM_001243744.2); short protein forms M175V.
Identifiers: ClinVar variation 234556 (VCV000234556.17), dbSNP rs876661083, ClinGen allele CA10577377.
Genomic context (GRCh38, chr9:95,150,086, plus strand): 5'-CTGTCAGGGTAATAAGTGGGACACAAACTCGTGACAGGGACGCCACTCGCTCGGGAGCCA[T>C]TCTATGGAAGAAATAAGAAATAATCACTCAAATCTAAGAGCCATGCATAATTAAGGACAT-3'
Protein context (NP_000127.2, residues 165-185): HLNGFNTQRR[Met175Val]APERVASLSR

ClinVar aggregate classification (germline): Uncertain significance. Review status: criteria provided, multiple submitters, no conflicts (2 of 4 stars). 5 submissions from 5 submitters: Uncertain significance (4). 1 of the submissions does not count toward it. Last evaluated 2024-05-26.

Conditions:
Fanconi anemia (FA). Also called: Fanconi's anemia. Identifiers: Orphanet 84, MedGen C0015625, MeSH D005199, MONDO:0019391.
Hereditary cancer-predisposing syndrome. Also called: Hereditary neoplastic syndrome; Hereditary Cancer Syndrome; Neoplastic Syndromes, Hereditary; Tumor predisposition. Identifiers: Orphanet 140162, MedGen C0027672, MeSH D009386, MONDO:0015356.
Fanconi anemia complementation group C (FANCC). Also called: FANCC-Related Fanconi Anemia; FANCONI PANCYTOPENIA, TYPE 3; FACC; Fanconi anemia, group C. Identifiers: Orphanet 84, MedGen C3468041, MONDO:0009213, OMIM 227645.

Allele frequency attached by ClinVar (database versions not stated): gnomAD exomes below 0.00001; TOPMed below 0.00001.
gnomAD v4.1: 5 of 1,614,092 alleles (0.00031%); highest among the groups gnomAD compares: Non-Finnish European, 0.00042%; no homozygotes.

Submissions (5):

Ambry Genetics
Classification: Uncertain significance for Hereditary cancer-predisposing syndrome. Last evaluated: 2024-05-26. Review status: criteria provided, single submitter. Criteria: Ambry Variant Classification Scheme 2023. Collection method: clinical testing. Allele origin: germline.
Comment: The p.M175V variant (also known as c.523A>G), located in coding exon 6 of the FANCC gene, results from an A to G substitution at nucleotide position 523. The methionine at codon 175 is replaced by valine, an amino acid with highly similar properties. This amino acid position is well conserved in available vertebrate species. In addition, this alteration is predicted to be tolerated by in silico analysis. Since supporting evidence is limited at this time, the clinical significance of this alteration remains unclear.

Fulgent Genetics
Classification: Uncertain significance for Fanconi anemia complementation group C. Last evaluated: 2024-02-29. Review status: criteria provided, single submitter. Criteria: ACMG Guidelines, 2015. Collection method: clinical testing. Allele origin: germline.

GeneDx
Classification: Uncertain significance. Last evaluated: 2023-02-23. Review status: criteria provided, single submitter. Criteria: GeneDx Variant Classification Process June 2021. Collection method: clinical testing. Allele origin: germline. Affected: yes.
Comment: Not observed at significant frequency in large population cohorts (gnomAD); In silico analysis supports that this missense variant does not alter protein structure/function; Has not been previously published as pathogenic or benign to our knowledge; This variant is associated with the following publications: (PMID: Gordon2000[Book])

Labcorp Genetics (formerly Invitae), Labcorp
Classification: Uncertain significance for Fanconi anemia. Last evaluated: 2021-08-30. Review status: criteria provided, single submitter. Criteria: Invitae Variant Classification Sherloc (09022015). Collection method: clinical testing. Allele origin: germline.
Comment: This sequence change replaces methionine with valine at codon 175 of the FANCC protein (p.Met175Val). The methionine residue is moderately conserved and there is a small physicochemical difference between methionine and valine. This variant is not present in population databases (ExAC no frequency). This variant has not been reported in the literature in individuals affected with FANCC-related conditions. ClinVar contains an entry for this variant (Variation ID: 234556). Algorithms developed to predict the effect of missense changes on protein structure and function (SIFT, PolyPhen-2, Align-GVGD) all suggest that this variant is likely to be tolerated. In summary, the available evidence is currently insufficient to determine the role of this variant in disease. Therefore, it has been classified as a Variant of Uncertain Significance.

Natera, Inc.
Classification: Uncertain significance for Fanconi anemia. Last evaluated: 2020-12-02. Review status: no assertion criteria provided. Collection method: clinical testing. Allele origin: germline. Not counted in ClinVar's aggregate classification.